The following is an entry in ClinVar:

ClinVar aggregate classification (germline): Uncertain significance. Review status: criteria provided, multiple submitters, no conflicts (2 of 4 stars). 2 submissions from 2 submitters: Uncertain significance (2). Last evaluated 2025-08-27.

Conditions:
Hereditary cancer-predisposing syndrome. Also called: Hereditary Cancer Syndrome; Hereditary neoplastic syndrome; Neoplastic Syndromes, Hereditary; Tumor predisposition. Identifiers: Orphanet 140162, MedGen C0027672, MeSH D009386, MONDO:0015356.
Familial adenomatous polyposis 2. Also called: MUTYH-associated polyposis; Adenomas, multiple colorectal; COLORECTAL ADENOMATOUS POLYPOSIS, AUTOSOMAL RECESSIVE; ADENOMAS, MULTIPLE COLORECTAL, AUTOSOMAL RECESSIVE; MUTYH-related attenuated familial adenomatous polyposis; MYH-associated polyposis. Identifiers: Orphanet 220460, Orphanet 247798, MedGen C3272841, MONDO:0012041, OMIM 608456.

Allele frequency attached by ClinVar (database versions not stated): TOPMed below 0.00001.

Submissions (2):

Ambry Genetics
Classification: Uncertain significance for Hereditary cancer-predisposing syndrome. Last evaluated: 2025-08-27. Review status: criteria provided, single submitter. Criteria: Ambry Variant Classification Scheme 2023. Collection method: clinical testing. Allele origin: germline.
Comment: The p.V312A variant (also known as c.935T>C), located in coding exon 11 of the MUTYH gene, results from a T to C substitution at nucleotide position 935. The valine at codon 312 is replaced by alanine, an amino acid with similar properties. This amino acid position is conserved. In addition, the in silico prediction for this alteration is inconclusive. Based on the available evidence, the clinical significance of this variant remains unclear.

Labcorp Genetics (formerly Invitae), Labcorp
Classification: Uncertain significance for Familial adenomatous polyposis 2. Last evaluated: 2023-08-24. Review status: criteria provided, single submitter. Criteria: Invitae Variant Classification Sherloc (09022015). Collection method: clinical testing. Allele origin: germline.
Comment: An algorithm developed to predict the effect of missense changes on protein structure and function (PolyPhen-2) suggests that this variant is likely to be tolerated. In summary, the available evidence is currently insufficient to determine the role of this variant in disease. Therefore, it has been classified as a Variant of Uncertain Significance. This variant has not been reported in the literature in individuals affected with MUTYH-related conditions. This variant is not present in population databases (gnomAD no frequency). This sequence change replaces valine, which is neutral and non-polar, with alanine, which is neutral and non-polar, at codon 312 of the MUTYH protein (p.Val312Ala).

NM_001048174.2(MUTYH):c.851T>C (p.Val284Ala)

Gene: MUTYH (mutY DNA glycosylase; minus strand). Cytogenetic location: 1p34.1.
Variant type: single nucleotide variant.
Coding change: c.851T>C on transcript NM_001048174.2 (MANE Select); coding-DNA position 851, T replaced by C.
Protein change: p.Val284Ala; replaces valine 284 with alanine.
Molecular consequence: missense variant. On other transcripts: non-coding transcript variant (7).
Genome position (GRCh38, 1-based): chr1:45,332,085, A>G on the plus strand (T>C on the coding strand, the complement: MUTYH is on the minus strand). VCF-style: chr1-45332085-A-G. GRCh37 (hg19) VCF-style: chr1-45797757-A-G.
Other names: c.896T>C, p.Val299Ala (NM_001293190.2); c.884T>C, p.Val295Ala (NM_001293191.2, NM_001407069.1, NM_001407077.1); c.575T>C, p.Val192Ala (NM_001293192.2, NM_001293196.2, NM_001407091.1); c.851T>C, p.Val284Ala (NM_001293195.2, NM_001407070.1, NM_001407088.1 and 6 more transcripts); c.506T>C, p.Val169Ala (NM_001350650.2, NM_001350651.2, NM_001407082.1); c.854T>C, p.Val285Ala (NM_001407071.1, NM_001407086.1, NM_001048172.2 and 1 more transcripts); c.893T>C, p.Val298Ala (NM_001407083.1, NM_001407085.1); c.872T>C, p.Val291Ala (NM_001407087.1); and 5 more; short protein forms V270A, V284A, V285A, V291A, V298A, V299A, V192A, V295A.
Identifiers: ClinVar variation 2754809 (VCV002754809.4), dbSNP rs1570396026, ClinGen allele CA340134244.
Genomic context (GRCh38, chr1:45,332,085, plus strand): 5'-CACTCCTCCACGTCAGGACTGCCCGACAGGCTCCCTGAGGCTAAGAGCTGTTCCTGCTCC[A>G]CCTGAGAGGCACAGGGTTGAGTGTCATAGGGCAGAGTCACTCCTTAGGACTTCTCACTGC-3'
Protein context (NP_001041639.1, residues 274-294): VESLCRARQR[Val284Ala]EQEQLLASGS